The following is an entry in ClinVar:

NM_134261.3(RORA):c.166+191459C>T

Gene: RORA (RAR related orphan receptor A; minus strand). Cytogenetic location: 15q22.2.
Variant type: single nucleotide variant.
Coding change: c.166+191459C>T on transcript NM_134261.3 (MANE Select); 191459 bases into the intron after coding-DNA position 166, C replaced by T.
Molecular consequence: intron variant.
Genome position (GRCh38, 1-based): chr15:61,037,594, G>A on the plus strand (C>T on the coding strand, the complement: RORA is on the minus strand). VCF-style: chr15-61037594-G-A. GRCh37 (hg19) VCF-style: chr15-61329793-G-A.
Identifiers: ClinVar variation 2645397 (VCV002645397.24), dbSNP rs545449164, ClinGen allele CA272220162.

ClinVar aggregate classification (germline): Likely benign (1 of 4 stars; one submission).

Allele frequency attached by ClinVar (database versions not stated): 1000 Genomes Project 0.00020; 1000 Genomes Project 30x 0.00031; gnomAD 0.00058; TOPMed 0.00060.
gnomAD v4.1: 89 of 152,302 alleles (0.058%); highest among the groups gnomAD compares: Admixed American, 0.12%; no homozygotes.

Submission:

CeGaT Center for Human Genetics Tuebingen
Classification: Likely benign. Last evaluated: 2023-04-01. Review status: criteria provided, single submitter. Criteria: CeGaT Center For Human Genetics Tuebingen Variant Classification Criteria Version 2. Collection method: clinical testing. Allele origin: germline. Affected: yes. Observed: 2 variant alleles.
Comment: RORA: BS1